The following is an entry in ClinVar:

ClinVar aggregate classification (germline): Uncertain significance (1 of 4 stars; one submission).

Allele frequency attached by ClinVar (database versions not stated): gnomAD exomes below 0.00001; TOPMed below 0.00001.
gnomAD v4.1: 2 of 1,613,726 alleles (0.00012%); highest among the groups gnomAD compares: Non-Finnish European, 0.00017%; no homozygotes.

Submission:

Labcorp Genetics (formerly Invitae), Labcorp
Classification: Uncertain significance. Last evaluated: 2024-09-16. Review status: criteria provided, single submitter. Criteria: Invitae Variant Classification Sherloc (09022015). Collection method: clinical testing. Allele origin: germline.
Comment: This sequence change replaces glycine, which is neutral and non-polar, with serine, which is neutral and polar, at codon 398 of the CYP27B1 protein (p.Gly398Ser). This variant is not present in population databases (gnomAD no frequency). This variant has not been reported in the literature in individuals affected with CYP27B1-related conditions. Invitae Evidence Modeling of protein sequence and biophysical properties (such as structural, functional, and spatial information, amino acid conservation, physicochemical variation, residue mobility, and thermodynamic stability) has been performed for this missense variant. However, the output from this modeling did not meet the statistical confidence thresholds required to predict the impact of this variant on CYP27B1 protein function. Algorithms developed to predict the effect of sequence changes on RNA splicing suggest that this variant may disrupt the consensus splice site. In summary, the available evidence is currently insufficient to determine the role of this variant in disease. Therefore, it has been classified as a Variant of Uncertain Significance.

NM_000785.4(CYP27B1):c.1192G>A (p.Gly398Ser)

Gene: CYP27B1 (cytochrome P450 family 27 subfamily B member 1; minus strand). Cytogenetic location: 12q14.1.
Variant type: single nucleotide variant.
Coding change: c.1192G>A on transcript NM_000785.4 (MANE Select); coding-DNA position 1192, G replaced by A.
Protein change: p.Gly398Ser; replaces glycine 398 with serine.
Molecular consequence: missense variant.
Genome position (GRCh38, 1-based): chr12:57,764,121, C>T on the plus strand (G>A on the coding strand, the complement: CYP27B1 is on the minus strand). VCF-style: chr12-57764121-C-T. GRCh37 (hg19) VCF-style: chr12-58157904-C-T.
Other names: short protein forms G398S.
Identifiers: ClinVar variation 2806255 (VCV002806255.3), dbSNP rs1272118680, ClinGen allele CA385502447.